The following is an entry in ClinVar:

ClinVar aggregate classification (germline): Uncertain significance (1 of 4 stars; one submission).

Allele frequency attached by ClinVar (database versions not stated): gnomAD exomes below 0.00001.
gnomAD v4.1: 1 of 1,614,178 alleles (0.000062%); highest among the groups gnomAD compares: South Asian, 0.0011%; no homozygotes.

Submission:

GeneDx
Classification: Uncertain significance. Last evaluated: 2023-06-09. Review status: criteria provided, single submitter. Criteria: GeneDx Variant Classification Process June 2021. Collection method: clinical testing. Allele origin: germline. Affected: yes.
Comment: Not observed at significant frequency in large population cohorts (gnomAD); In silico analysis supports that this missense variant has a deleterious effect on protein structure/function; In silico analysis suggests this variant may impact gene splicing. In the absence of RNA/functional studies, the actual effect of this sequence change is unknown.; Has not been previously published as pathogenic or benign to our knowledge

NM_006245.4(PPP2R5D):c.400G>C (p.Asp134His)

Gene: PPP2R5D (protein phosphatase 2 regulatory subunit B'delta; plus strand). Cytogenetic location: 6p21.1.
Variant type: single nucleotide variant.
Coding change: c.400G>C on transcript NM_006245.4 (MANE Select); coding-DNA position 400, G replaced by C.
Protein change: p.Asp134His; replaces aspartic acid 134 with histidine.
Molecular consequence: missense variant. On other transcripts: 5 prime UTR variant (1).
Genome position (GRCh38, 1-based): chr6:43,006,988, G>C. VCF-style: chr6-43006988-G-C. GRCh37 (hg19) VCF-style: chr6-42974726-G-C.
Other names: c.-54G>C (NM_001270476.2); c.304G>C, p.Asp102His (NM_180976.3); c.82G>C, p.Asp28His (NM_180977.3); short protein forms D102H, D134H, D28H.
Identifiers: ClinVar variation 3253202 (VCV003253202.1), dbSNP rs1457044199.